The following is an entry in ClinVar:

NM_000245.4(MET):c.1430T>A (p.Val477Glu)

Gene: MET (MET proto-oncogene, receptor tyrosine kinase; plus strand). Cytogenetic location: 7q31.2.
Variant type: single nucleotide variant.
Coding change: c.1430T>A on transcript NM_000245.4 (MANE Select); coding-DNA position 1430, T replaced by A.
Protein change: p.Val477Glu; replaces valine 477 with glutamic acid.
Molecular consequence: missense variant.
Genome position (GRCh38, 1-based): chr7:116,739,987, T>A. VCF-style: chr7-116739987-T-A. GRCh37 (hg19) VCF-style: chr7-116380041-T-A.
Other names: c.1430T>A, p.Val477Glu (NM_001127500.3, NM_001324401.3); c.140T>A, p.Val47Glu (NM_001324402.2); short protein forms V477E, V47E.
Identifiers: ClinVar variation 660337 (VCV000660337.11), dbSNP rs1197127761, ClinGen allele CA368974077.

ClinVar aggregate classification (germline): Uncertain significance. Review status: criteria provided, multiple submitters, no conflicts (2 of 4 stars). 5 submissions from 5 submitters: Uncertain significance (5). Last evaluated 2026-10-01.

Conditions:
Renal cell carcinoma. Identifiers: Orphanet 217071, MedGen C0007134, MeSH D002292, MONDO:0005086, HP:0005584.
Autosomal recessive nonsyndromic hearing loss 97. Also called: Deafness, autosomal recessive 97. Identifiers: Orphanet 90636, MedGen C4084709, MONDO:0014739, OMIM 616705.
Papillary renal cell carcinoma type 1 (RCCP1). Also called: RENAL CELL CARCINOMA, PAPILLARY, 1, SOMATIC; Renal adenocarcinoma; Renal cell carcinoma 1; Renal cell carcinoma, somatic. Identifiers: Orphanet 47044, MedGen C1336839, OMIM 605074, HP:0011797.
Hereditary cancer-predisposing syndrome. Also called: Neoplastic Syndromes, Hereditary; Hereditary neoplastic syndrome; Hereditary Cancer Syndrome; Tumor predisposition. Identifiers: Orphanet 140162, MedGen C0027672, MeSH D009386, MONDO:0015356.

Allele frequency attached by ClinVar (database versions not stated): gnomAD exomes below 0.00001.
gnomAD v4.1: 2 of 1,614,178 alleles (0.00012%); highest among the groups gnomAD compares: Admixed American, 0.0033%; no homozygotes.

Submissions (5):

St. Jude Molecular Pathology, St. Jude Children's Research Hospital
Classification: Uncertain significance for Papillary renal cell carcinoma type 1. Last evaluated: 2026-10-01. Review status: criteria provided, single submitter. Criteria: St. Jude Assertion Criteria 2020. Collection method: clinical testing. Allele origin: germline.
Comment: The MET c.1430T>A p.(Val477Glu) missense change has a maximum subpopulation frequency of 0.003% in gnomAD v2.1.1. The in silico tool REVEL is inconclusive about a pathogenic or benign effect of this variant on prote in function, and to our knowledge functional studies have not been performed. To our knowledge, this variant has not been reported in the literature in individuals with hereditary papillary renal cell carcinoma. In summary, the evidence currently availab le is insufficient to determine the clinical significance of this variant. It has therefore been classified as of uncertain significance.Ã¢ € ¯Ã¢ € ¯

Labcorp Genetics (formerly Invitae), Labcorp
Classification: Uncertain significance for Renal cell carcinoma. Last evaluated: 2024-10-06. Review status: criteria provided, single submitter. Criteria: Invitae Variant Classification Sherloc (09022015). Collection method: clinical testing. Allele origin: germline.
Comment: This sequence change replaces valine, which is neutral and non-polar, with glutamic acid, which is acidic and polar, at codon 477 of the MET protein (p.Val477Glu). This variant is present in population databases (no rsID available, gnomAD 0.003%). This variant has not been reported in the literature in individuals affected with MET-related conditions. ClinVar contains an entry for this variant (Variation ID: 660337). Invitae Evidence Modeling of protein sequence and biophysical properties (such as structural, functional, and spatial information, amino acid conservation, physicochemical variation, residue mobility, and thermodynamic stability) indicates that this missense variant is expected to disrupt MET protein function with a positive predictive value of 80%. In summary, the available evidence is currently insufficient to determine the role of this variant in disease. Therefore, it has been classified as a Variant of Uncertain Significance.

Ambry Genetics
Classification: Uncertain significance for Hereditary cancer-predisposing syndrome. Last evaluated: 2023-10-07. Review status: criteria provided, single submitter. Criteria: Ambry Variant Classification Scheme 2023. Collection method: clinical testing. Allele origin: germline.
Comment: The p.V477E variant (also known as c.1430T>A), located in coding exon 3 of the MET gene, results from a T to A substitution at nucleotide position 1430. The valine at codon 477 is replaced by glutamic acid, an amino acid with dissimilar properties. This amino acid position is highly conserved in available vertebrate species. In addition, the in silico prediction for this alteration is inconclusive. Since supporting evidence is limited at this time, the clinical significance of this alteration remains unclear.

Baylor Genetics
Classification: Uncertain significance for Autosomal recessive nonsyndromic hearing loss 97. Last evaluated: 2023-05-08. Review status: criteria provided, single submitter. Criteria: ACMG Guidelines, 2015. Collection method: clinical testing. Allele origin: unknown.

GeneDx
Classification: Uncertain significance. Last evaluated: 2022-09-15. Review status: criteria provided, single submitter. Criteria: GeneDx Variant Classification Process June 2021. Collection method: clinical testing. Allele origin: germline. Affected: yes.
Comment: Not observed at significant frequency in large population cohorts (gnomAD); In silico analysis supports that this missense variant has a deleterious effect on protein structure/function; Has not been previously published as pathogenic or benign to our knowledge